The following is an entry in ClinVar:

NM_001012302.3(ANO9):c.1698C>T (p.Leu566=)

Gene: ANO9 (anoctamin 9; minus strand). Cytogenetic location: 11p15.5.
Variant type: single nucleotide variant.
Coding change: c.1698C>T on transcript NM_001012302.3 (MANE Select); coding-DNA position 1698, C replaced by T.
Protein change: p.Leu566=; no amino-acid change (leucine 566 retained).
Molecular consequence: synonymous variant.
Genome position (GRCh38, 1-based): chr11:420,551, G>A on the plus strand (C>T on the coding strand, the complement: ANO9 is on the minus strand). VCF-style: chr11-420551-G-A. GRCh37 (hg19) VCF-style: chr11-420551-G-A.
Other names: c.1266C>T, p.Leu422= (NM_001347882.2).
Identifiers: ClinVar variation 2641048 (VCV002641048.24), dbSNP rs2539343203, ClinGen allele CA472308193.

ClinVar aggregate classification (germline): Likely benign (1 of 4 stars; one submission).

Submission:

CeGaT Center for Human Genetics Tuebingen
Classification: Likely benign. Last evaluated: 2022-10-01. Review status: criteria provided, single submitter. Criteria: CeGaT Center For Human Genetics Tuebingen Variant Classification Criteria Version 2. Collection method: clinical testing. Allele origin: germline. Affected: yes. Observed: 1 variant allele.
Comment: ANO9: PM2:Supporting, BP4, BP7